The following is an entry in ClinVar:

ClinVar aggregate classification (germline): Uncertain significance (1 of 4 stars; one submission).

Conditions:
Hereditary spastic paraplegia 8 (SPG8). Also called: SPASTIC PARAPLEGIA 8, AUTOSOMAL DOMINANT. Identifiers: Orphanet 100989, MedGen C1863704, MONDO:0011339, OMIM 603563.
Ritscher-Schinzel syndrome. Also called: CRANIOCEREBELLOCARDIAC DYSPLASIA. Identifiers: Orphanet 7, MedGen C0796137, MONDO:0019078.

Submission:

Labcorp Genetics (formerly Invitae), Labcorp
Classification: Uncertain significance for Ritscher-Schinzel syndrome; Hereditary spastic paraplegia 8. Last evaluated: 2025-01-13. Review status: criteria provided, single submitter. Criteria: Invitae Variant Classification Sherloc (09022015). Collection method: clinical testing. Allele origin: germline.
Comment: This sequence change replaces asparagine, which is neutral and polar, with lysine, which is basic and polar, at codon 1043 of the WASHC5 protein (p.Asn1043Lys). This variant is not present in population databases (gnomAD no frequency). This variant has not been reported in the literature in individuals affected with WASHC5-related conditions. ClinVar contains an entry for this variant (Variation ID: 2172133). Invitae Evidence Modeling of protein sequence and biophysical properties (such as structural, functional, and spatial information, amino acid conservation, physicochemical variation, residue mobility, and thermodynamic stability) indicates that this missense variant is not expected to disrupt WASHC5 protein function with a negative predictive value of 80%. In summary, the available evidence is currently insufficient to determine the role of this variant in disease. Therefore, it has been classified as a Variant of Uncertain Significance.

NM_014846.4(WASHC5):c.3129C>G (p.Asn1043Lys)

Gene: WASHC5 (WASH complex subunit 5; minus strand). Cytogenetic location: 8q24.13.
Variant type: single nucleotide variant.
Coding change: c.3129C>G on transcript NM_014846.4 (MANE Select); coding-DNA position 3129, C replaced by G.
Protein change: p.Asn1043Lys; replaces asparagine 1043 with lysine.
Molecular consequence: missense variant.
Genome position (GRCh38, 1-based): chr8:125,037,289, G>C on the plus strand (C>G on the coding strand, the complement: WASHC5 is on the minus strand). VCF-style: chr8-125037289-G-C. GRCh37 (hg19) VCF-style: chr8-126049531-G-C.
Other names: c.2685C>G, p.Asn895Lys (NM_001330609.2); short protein forms N895K, N1043K.
Identifiers: ClinVar variation 2172133 (VCV002172133.4), dbSNP rs2537283419, ClinGen allele CA372183495.